The following is an entry in ClinVar:

NM_024422.6(DSC2):c.1552G>C (p.Val518Leu)

Gene: DSC2 (desmocollin 2; minus strand). Cytogenetic location: 18q12.1.
Variant type: single nucleotide variant.
Coding change: c.1552G>C on transcript NM_024422.6 (MANE Select); coding-DNA position 1552, G replaced by C.
Protein change: p.Val518Leu; replaces valine 518 with leucine.
Molecular consequence: missense variant.
Genome position (GRCh38, 1-based): chr18:31,079,958, C>G on the plus strand (G>C on the coding strand, the complement: DSC2 is on the minus strand). VCF-style: chr18-31079958-C-G. GRCh37 (hg19) VCF-style: chr18-28659924-C-G.
Other names: c.1552G>C, p.Val518Leu (NM_004949.5); short protein forms V518L.
Identifiers: ClinVar variation 46169 (VCV000046169.20), dbSNP rs397517394, ClinGen allele CA022503.

ClinVar aggregate classification (germline): Conflicting classifications of pathogenicity. Review status: criteria provided, conflicting classifications (1 of 4 stars). 6 submissions from 6 submitters: Uncertain significance (1); Likely benign (5). Last evaluated 2026-01-25.

Conditions:
Cardiovascular phenotype. Identifiers: MedGen CN230736.
Cardiomyopathy (CMYO). Also called: Cardiomyopathies. Identifiers: Orphanet 167848, MedGen C0878544, MONDO:0004994, HP:0001638. Inheritance: Various modes of inheritance.
Arrhythmogenic right ventricular dysplasia 11. Also called: ARRHYTHMOGENIC RIGHT VENTRICULAR DYSPLASIA, FAMILIAL, 11; Arrhythmogenic right ventricular dysplasia 11 with mild palmoplantar keratoderma and woolly hair; Arrhythmogenic Right Ventricular Dysplasia/Cardiomyopathy11. Identifiers: MedGen C1864850, MONDO:0012506, OMIM 610476.

Allele frequency attached by ClinVar (database versions not stated): TOPMed 0.00005; gnomAD 0.00004.

Submissions (6):

Labcorp Genetics (formerly Invitae), Labcorp
Classification: Likely benign for Arrhythmogenic right ventricular dysplasia 11. Last evaluated: 2026-01-25. Review status: criteria provided, single submitter. Criteria: Invitae Variant Classification Sherloc (09022015). Collection method: clinical testing. Allele origin: germline.

Mayo Clinic Laboratories, Mayo Clinic
Classification: Likely benign. Last evaluated: 2025-01-27. Review status: criteria provided, single submitter. Criteria: ACMG Guidelines, 2015. Collection method: clinical testing. Allele origin: germline. Observed: 1 variant allele.
Comment: BS1, BP4_moderate

Laboratory for Molecular Medicine, Mass General Brigham Personalized Medicine
Classification: Likely benign. Last evaluated: 2024-02-27. Review status: criteria provided, single submitter. Criteria: ACMG Guidelines, 2015. Collection method: clinical testing. Allele origin: germline.
Comment: Thep.Val518Leu variant in DSC2 is classified as likely benign because it has been identified in 0.14% (85/60010) of Admixed American chromosomes by gnomAD (v.4.0.0). Computational prediction tools and conservation analyses suggest that this variant may not impact the protein. ACMG/AMP Criteria applied: BS1, BP4.

Ambry Genetics
Classification: Likely benign for Cardiovascular phenotype. Last evaluated: 2019-08-21. Review status: criteria provided, single submitter. Criteria: Ambry Variant Classification Scheme 2023. Collection method: clinical testing. Allele origin: germline.

Color Diagnostics, LLC DBA Color Health
Classification: Likely benign for Cardiomyopathy. Last evaluated: 2019-06-27. Review status: criteria provided, single submitter. Criteria: ACMG Guidelines, 2015. Collection method: clinical testing. Allele origin: germline.

Genomic Diagnostic Laboratory, Division of Genomic Diagnostics, Children's Hospital of Philadelphia
Classification: Uncertain significance. Last evaluated: 2015-07-01. Review status: criteria provided, single submitter. Criteria: DGD Variant Analysis Guidelines. Collection method: clinical testing. Allele origin: unknown.